The following is an entry in ClinVar:

ClinVar aggregate classification (germline): Uncertain significance (1 of 4 stars; one submission).

Conditions:
Left ventricular noncompaction 1 (LVNC1). Also called: LEFT VENTRICULAR NONCOMPACTION 1 WITH OR WITHOUT CONGENITAL HEART DEFECTS. Identifiers: Orphanet 54260, MedGen C1858725, MONDO:0011403, OMIM 604169.

Allele frequency attached by ClinVar (database versions not stated): gnomAD exomes below 0.00001.
gnomAD v4.1: 4 of 1,614,090 alleles (0.00025%); highest among the groups gnomAD compares: African/African-American, 0.0027%; no homozygotes.

Submission:

Labcorp Genetics (formerly Invitae), Labcorp
Classification: Uncertain significance for Left ventricular noncompaction 1. Last evaluated: 2024-05-16. Review status: criteria provided, single submitter. Criteria: Invitae Variant Classification Sherloc (09022015). Collection method: clinical testing. Allele origin: germline.
Comment: This sequence change replaces asparagine, which is neutral and polar, with serine, which is neutral and polar, at codon 709 of the DTNA protein (p.Asn709Ser). This variant is not present in population databases (gnomAD no frequency). This variant has not been reported in the literature in individuals affected with DTNA-related conditions. Algorithms developed to predict the effect of missense changes on protein structure and function output the following: SIFT: "Not Available"; PolyPhen-2: "Benign"; Align-GVGD: "Not Available". The serine amino acid residue is found in multiple mammalian species, which suggests that this missense change does not adversely affect protein function. In summary, the available evidence is currently insufficient to determine the role of this variant in disease. Therefore, it has been classified as a Variant of Uncertain Significance.

NM_001386795.1(DTNA):c.2207A>G (p.Asn736Ser)

Gene: DTNA (dystrobrevin alpha; plus strand). Cytogenetic location: 18q12.1.
Variant type: single nucleotide variant.
Coding change: c.2207A>G on transcript NM_001386795.1 (MANE Select); coding-DNA position 2207, A replaced by G.
Protein change: p.Asn736Ser; replaces asparagine 736 with serine.
Molecular consequence: missense variant.
Genome position (GRCh38, 1-based): chr18:34,882,113, A>G. VCF-style: chr18-34882113-A-G. GRCh37 (hg19) VCF-style: chr18-32462077-A-G.
Other names: c.1946A>G, p.Asn649Ser (NM_001198938.2, NM_001198940.2, NM_001386753.1 and 5 more transcripts); c.1967A>G, p.Asn656Ser (NM_001198939.2); c.1253A>G, p.Asn418Ser (NM_001198942.1); c.1196A>G, p.Asn399Ser (NM_001198943.1); c.1082A>G, p.Asn361Ser (NM_001198944.1); c.2036A>G, p.Asn679Ser (NM_001386754.1, NM_001386755.1, NM_001386756.1 and 3 more transcripts); c.2033A>G, p.Asn678Ser (NM_001386760.1); c.1955A>G, p.Asn652Ser (NM_001386761.1, NM_032975.4); and 5 more; short protein forms N648S, N357S, N361S, N678S, N649S, N652S, N709S, N736S.
Identifiers: ClinVar variation 2874441 (VCV002874441.3), dbSNP rs113556738, ClinGen allele CA297767805.